The following is an entry in ClinVar:

NM_001013736.3(FAM47C):c.2184G>A (p.Pro728=)

Gene: FAM47C (family with sequence similarity 47 member C; plus strand). Cytogenetic location: Xp21.1.
Variant type: single nucleotide variant.
Coding change: c.2184G>A on transcript NM_001013736.3 (MANE Select); coding-DNA position 2184, G replaced by A.
Protein change: p.Pro728=; no amino-acid change (proline 728 retained).
Molecular consequence: synonymous variant.
Genome position (GRCh38, 1-based): chrX:37,010,594, G>A. VCF-style: chrX-37010594-G-A. GRCh37 (hg19) VCF-style: chrX-37028667-G-A.
Identifiers: ClinVar variation 3234129 (VCV003234129.20), dbSNP rs149639130, ClinGen allele CA10383004.

ClinVar aggregate classification (germline): Likely benign (1 of 4 stars; one submission).

Allele frequency attached by ClinVar (database versions not stated): gnomAD exomes 0.00001; ExAC 0.00006; ESP Exome Variant Server 0.00019; 1000 Genomes Project 30x 0.00021; 1000 Genomes Project 0.00053.

Submission:

CeGaT Center for Human Genetics Tuebingen
Classification: Likely benign. Last evaluated: 2024-04-01. Review status: criteria provided, single submitter. Criteria: CeGaT Center For Human Genetics Tuebingen Variant Classification Criteria Version 2. Collection method: clinical testing. Allele origin: germline. Affected: yes. Observed: 1 variant allele.
Comment: FAM47C: BP4, BP7